The following is an entry in ClinVar:

NM_001144967.3(NEDD4L):c.348G>A (p.Pro116=)

Genes: NEDD4L (NEDD4 like E3 ubiquitin protein ligase; plus strand), LOC126862763 (CDK7 strongly-dependent group 2 enhancer GRCh37_chr18:55982687-55983886; plus strand). Cytogenetic location: 18q21.31.
Variant type: single nucleotide variant.
Coding change: c.348G>A on transcript NM_001144967.3 (MANE Select); coding-DNA position 348, G replaced by A.
Protein change: p.Pro116=; no amino-acid change (proline 116 retained).
Molecular consequence: synonymous variant. On other transcripts: 5 prime UTR variant (5).
Genome position (GRCh38, 1-based): chr18:58,316,032, G>A. VCF-style: chr18-58316032-G-A. GRCh37 (hg19) VCF-style: chr18-55983264-G-A.
Other names: c.-16G>A (NM_001144964.1, NM_001144965.2, NM_001144966.3 and 2 more transcripts); c.324G>A, p.Pro108= (NM_001144968.2, NM_001144969.2); c.348G>A, p.Pro116= (NM_001243960.2, NM_015277.6).
Identifiers: ClinVar variation 1413193 (VCV001413193.6), dbSNP rs1296841354, ClinGen allele CA504020361.

ClinVar aggregate classification (germline): Uncertain significance (1 of 4 stars; one submission).

Allele frequency attached by ClinVar (database versions not stated): gnomAD 0.00001; gnomAD exomes 0.00001; TOPMed 0.00001.
gnomAD v4.1: 12 of 1,612,108 alleles (0.00074%); highest among the groups gnomAD compares: East Asian, 0.0022%; no homozygotes.

Submission:

Labcorp Genetics (formerly Invitae), Labcorp
Classification: Uncertain significance. Last evaluated: 2024-06-29. Review status: criteria provided, single submitter. Criteria: Invitae Variant Classification Sherloc (09022015). Collection method: clinical testing. Allele origin: germline.
Comment: This sequence change affects codon 116 of the NEDD4L mRNA. It is a 'silent' change, meaning that it does not change the encoded amino acid sequence of the NEDD4L protein. This variant also falls at the last nucleotide of exon 6, which is part of the consensus splice site for this exon. This variant is not present in population databases (gnomAD no frequency). This variant has not been reported in the literature in individuals affected with NEDD4L-related conditions. ClinVar contains an entry for this variant (Variation ID: 1413193). Variants that disrupt the consensus splice site are a relatively common cause of aberrant splicing (PMID: 17576681, 9536098). Algorithms developed to predict the effect of sequence changes on RNA splicing suggest that this variant may disrupt the consensus splice site. In summary, the available evidence is currently insufficient to determine the role of this variant in disease. Therefore, it has been classified as a Variant of Uncertain Significance.

Literature cited by the submitters: PubMed 17576681; PubMed 9536098.